The following is an entry in ClinVar:

NM_000026.4(ADSL):c.1262A>G (p.Asn421Ser)

Gene: ADSL (adenylosuccinate lyase; plus strand). Cytogenetic location: 22q13.1.
Variant type: single nucleotide variant.
Coding change: c.1262A>G on transcript NM_000026.4 (MANE Select); coding-DNA position 1262, A replaced by G.
Protein change: p.Asn421Ser; replaces asparagine 421 with serine.
Molecular consequence: missense variant. On other transcripts: non-coding transcript variant (1), intron variant (1).
Genome position (GRCh38, 1-based): chr22:40,364,950, A>G. VCF-style: chr22-40364950-A-G. GRCh37 (hg19) VCF-style: chr22-40760954-A-G.
Other names: p.N421S:AAT>AGT; c.1070A>G, p.Asn357Ser (NM_001317923.2); c.1262A>G, p.Asn421Ser (NM_001363840.3); c.1191+585A>G (NM_001123378.3); short protein forms N421S, N357S.
Identifiers: ClinVar variation 204797 (VCV000204797.15), dbSNP rs145750778, ClinGen allele CA313113.

ClinVar aggregate classification (germline): Uncertain significance. Review status: criteria provided, multiple submitters, no conflicts (2 of 4 stars). 3 submissions from 3 submitters: Uncertain significance (3). Last evaluated 2026-10-12.

Conditions:
Adenylosuccinate lyase deficiency (ADSLD). Also called: ADSL DEFICIENCY. Identifiers: Orphanet 46, MedGen C0268126, MONDO:0007068, OMIM 103050.
Inborn genetic diseases. Identifiers: MedGen C0950123, MeSH D030342.

Allele frequency attached by ClinVar (database versions not stated): ESP Exome Variant Server 0.00015; ExAC 0.00006; gnomAD 0.00004; gnomAD exomes 0.00005; TOPMed 0.00005.

Submissions (3):

GeneDx
Classification: Uncertain significance. Last evaluated: 2026-10-12. Review status: criteria provided, single submitter. Criteria: GeneDx Variant Classification Process June 2021. Collection method: clinical testing. Allele origin: germline.
Comment: In silico analysis supports that this missense variant has a deleterious effect on protein structure/function; Has not been previously published as pathogenic or benign to our knowledge

Ambry Genetics
Classification: Uncertain significance for Inborn genetic diseases. Last evaluated: 2023-09-13. Review status: criteria provided, single submitter. Criteria: Ambry Variant Classification Scheme 2023. Collection method: clinical testing. Allele origin: germline.

Labcorp Genetics (formerly Invitae), Labcorp
Classification: Uncertain significance for Adenylosuccinate lyase deficiency. Last evaluated: 2022-08-15. Review status: criteria provided, single submitter. Criteria: Invitae Variant Classification Sherloc (09022015). Collection method: clinical testing. Allele origin: germline.
Comment: This sequence change replaces asparagine, which is neutral and polar, with serine, which is neutral and polar, at codon 421 of the ADSL protein (p.Asn421Ser). This variant is present in population databases (rs145750778, gnomAD 0.03%). This variant has not been reported in the literature in individuals affected with ADSL-related conditions. ClinVar contains an entry for this variant (Variation ID: 204797). Algorithms developed to predict the effect of missense changes on protein structure and function are either unavailable or do not agree on the potential impact of this missense change (SIFT: "Deleterious"; PolyPhen-2: "Possibly Damaging"; Align-GVGD: "Class C0"). In summary, the available evidence is currently insufficient to determine the role of this variant in disease. Therefore, it has been classified as a Variant of Uncertain Significance.